The following is an entry in ClinVar:

ClinVar aggregate classification (germline): Uncertain significance (1 of 4 stars; one submission).

Submission:

Labcorp Genetics (formerly Invitae), Labcorp
Classification: Uncertain significance. Last evaluated: 2021-12-10. Review status: criteria provided, single submitter. Criteria: Invitae Variant Classification Sherloc (09022015). Collection method: clinical testing. Allele origin: germline.
Comment: This sequence change replaces glycine, which is neutral and non-polar, with serine, which is neutral and polar, at codon 468 of the PRPF4 protein (p.Gly468Ser). This variant is not present in population databases (gnomAD no frequency). This variant has not been reported in the literature in individuals affected with PRPF4-related conditions. Algorithms developed to predict the effect of missense changes on protein structure and function (SIFT, PolyPhen-2, Align-GVGD) all suggest that this variant is likely to be tolerated. Algorithms developed to predict the effect of sequence changes on RNA splicing suggest that this variant may create or strengthen a splice site. In summary, the available evidence is currently insufficient to determine the role of this variant in disease. Therefore, it has been classified as a Variant of Uncertain Significance.

NM_001244926.2(PRPF4):c.1399G>A (p.Gly467Ser)

Gene: PRPF4 (pre-mRNA splicing tri-snRNP complex factor PRPF4; plus strand). Cytogenetic location: 9q32.
Variant type: single nucleotide variant.
Coding change: c.1399G>A on transcript NM_001244926.2 (MANE Select); coding-DNA position 1399, G replaced by A.
Protein change: p.Gly467Ser; replaces glycine 467 with serine.
Molecular consequence: missense variant. On other transcripts: non-coding transcript variant (2).
Genome position (GRCh38, 1-based): chr9:113,291,493, G>A. VCF-style: chr9-113291493-G-A. GRCh37 (hg19) VCF-style: chr9-116053773-G-A.
Other names: c.673G>A, p.Gly225Ser (NM_001322266.2, NM_001322267.2); c.1402G>A, p.Gly468Ser (NM_004697.5); short protein forms G468S, G225S, G467S.
Identifiers: ClinVar variation 1468242 (VCV001468242.6), dbSNP rs2118652185, ClinGen allele CA374556121.